The following is an entry in ClinVar:

NM_005359.6(SMAD4):c.1037del (p.Pro346fs)

Gene: SMAD4 (SMAD family member 4; plus strand). Cytogenetic location: 18q21.2.
Variant type: Deletion.
Coding change: c.1037del on transcript NM_005359.6 (MANE Select); coding-DNA position 1037, one base deleted (C; older notation c.1037delC).
Protein change: p.Pro346fs; shifts the reading frame from proline 346.
Molecular consequence: frameshift variant.
Genome position (GRCh38, 1-based): chr18:51,065,504, C deleted; the last of 3 consecutive C bases (chr18:51,065,502-51,065,504); deleting any one gives the same sequence. VCF-style (leftmost placement, unchanged base first): chr18-51065501-GC-G. GRCh37 (hg19) VCF-style: chr18-48591871-GC-G.
Other names: c.1037delC (NM_005359.5); short protein forms P346fs.
Identifiers: ClinVar variation 24825 (VCV000024825.10), dbSNP rs377767343, ClinGen allele CA259200.

ClinVar aggregate classification (germline): Pathogenic (1 of 4 stars; one submission).

Conditions:
Juvenile polyposis syndrome (JPS). Identifiers: Orphanet 2929, MedGen C0345893, MONDO:0017380, OMIM 174900.

Submission:

Labcorp Genetics (formerly Invitae), Labcorp
Classification: Pathogenic for Juvenile polyposis syndrome. Last evaluated: 2016-11-01. Review status: criteria provided, single submitter. Criteria: Invitae Variant Classification Sherloc (09022015). Collection method: clinical testing. Allele origin: germline.
Comment: For these reasons, this variant has been classified as Pathogenic. Loss-of-function variants in SMAD4 are known to be pathogenic. This particular variant has been reported in the literature in an individual affected with juvenile polyposis syndrome (PMID: 12417513). This sequence change deletes 1 nucleotide from exon 9 of the SMAD4 mRNA (c.1037delC), causing a frameshift at codon 346. This creates a premature translational stop signal (p.Pro346Leufs*38) and is expected to result in an absent or disrupted protein product.

Literature cited by the submitters: PubMed 12417513.